The following is an entry in ClinVar:

ClinVar aggregate classification (germline): Uncertain significance (1 of 4 stars; one submission).

Conditions:
Early-infantile DEE. Also called: Early infantile epileptic encephalopathy; Ohtahara syndrome; Early infantile epileptic encephalopathy with suppression bursts. Identifiers: Orphanet 1934, MedGen C0393706, MONDO:0800491.

Submission:

Labcorp Genetics (formerly Invitae), Labcorp
Classification: Uncertain significance for Early-infantile DEE. Last evaluated: 2022-12-30. Review status: criteria provided, single submitter. Criteria: Invitae Variant Classification Sherloc (09022015). Collection method: clinical testing. Allele origin: germline.
Comment: This sequence change replaces valine, which is neutral and non-polar, with leucine, which is neutral and non-polar, at codon 1175 of the SPTAN1 protein (p.Val1175Leu). This variant has not been reported in the literature in individuals affected with SPTAN1-related conditions. This variant is not present in population databases (gnomAD no frequency). Algorithms developed to predict the effect of missense changes on protein structure and function output the following: SIFT: "Tolerated"; PolyPhen-2: "Benign"; Align-GVGD: "Class C0". The leucine amino acid residue is found in multiple mammalian species, which suggests that this missense change does not adversely affect protein function. In summary, the available evidence is currently insufficient to determine the role of this variant in disease. Therefore, it has been classified as a Variant of Uncertain Significance.

NM_001130438.3(SPTAN1):c.3523G>C (p.Val1175Leu)

Gene: SPTAN1 (spectrin alpha, non-erythrocytic 1; plus strand). Cytogenetic location: 9q34.11.
Variant type: single nucleotide variant.
Coding change: c.3523G>C on transcript NM_001130438.3 (MANE Select); coding-DNA position 3523, G replaced by C.
Protein change: p.Val1175Leu; replaces valine 1175 with leucine.
Molecular consequence: missense variant.
Genome position (GRCh38, 1-based): chr9:128,598,966, G>C. VCF-style: chr9-128598966-G-C. GRCh37 (hg19) VCF-style: chr9-131361245-G-C.
Other names: c.3463G>C, p.Val1155Leu (NM_001195532.2, NM_001363765.2, NM_001375314.2); c.3523G>C, p.Val1175Leu (NM_001363759.2, NM_001375310.1, NM_001375311.2 and 2 more transcripts); c.3559G>C, p.Val1187Leu (NM_001375312.2, NM_001375318.1); short protein forms V1155L, V1175L, V1187L.
Identifiers: ClinVar variation 2002505 (VCV002002505.4), dbSNP rs2541542006, ClinGen allele CA375062537.
Genomic context (GRCh38, chr9:128,598,966, plus strand): 5'-TCTTGAGAGATGTGTATTTCTTCTAATAATAAAACTGGTTTCTCTCTCTCCTTGTAGGAA[G>C]TGTATGGCATGATGCCCAGGGTAAGTTTCGGGTGCTGTGTGTGGATCTTGAACATGAGAA-3'
Protein context (NP_001123910.1, residues 1165-1185): EEVQAVQQQE[Val1175Leu]YGMMPRDETD